The following is an entry in ClinVar:

NM_002890.3(RASA1):c.2656C>T (p.Pro886Ser)

Genes: CCNH (cyclin H; minus strand), RASA1 (RAS p21 protein activator 1; plus strand). Cytogenetic location: 5q14.3.
Variant type: single nucleotide variant.
Coding change: c.2656C>T on transcript NM_002890.3 (MANE Select); coding-DNA position 2656, C replaced by T.
Protein change: p.Pro886Ser; replaces proline 886 with serine.
Molecular consequence: missense variant. On other transcripts: intron variant (1).
Genome position (GRCh38, 1-based): chr5:87,380,561, C>T. VCF-style: chr5-87380561-C-T. GRCh37 (hg19) VCF-style: chr5-86676378-C-T.
Other names: c.2125C>T, p.Pro709Ser (NM_022650.3); c.933+14483G>A (NM_001364075.2); short protein forms P886S, P709S.
Identifiers: ClinVar variation 1523489 (VCV001523489.7), dbSNP rs1359038183, ClinGen allele CA360384884.

ClinVar aggregate classification (germline): Uncertain significance (1 of 4 stars; one submission).

Conditions:
Capillary malformation-arteriovenous malformation syndrome. Also called: Capillary malformation-arteriovenous malformation. Identifiers: Orphanet 137667, MedGen C1842180, MONDO:0012016.

Allele frequency attached by ClinVar (database versions not stated): gnomAD exomes 0.00001 and below 0.00001; TOPMed below 0.00001.
gnomAD v4.1: 4 of 1,613,162 alleles (0.00025%); highest among the groups gnomAD compares: Admixed American, 0.0017%; no homozygotes.

Submission:

Labcorp Genetics (formerly Invitae), Labcorp
Classification: Uncertain significance for Capillary malformation-arteriovenous malformation syndrome. Last evaluated: 2023-04-12. Review status: criteria provided, single submitter. Criteria: Invitae Variant Classification Sherloc (09022015). Collection method: clinical testing. Allele origin: germline.
Comment: An algorithm developed to predict the effect of missense changes on protein structure and function (PolyPhen-2) suggests that this variant is likely to be disruptive. In summary, the available evidence is currently insufficient to determine the role of this variant in disease. Therefore, it has been classified as a Variant of Uncertain Significance. ClinVar contains an entry for this variant (Variation ID: 1523489). This sequence change replaces proline, which is neutral and non-polar, with serine, which is neutral and polar, at codon 886 of the RASA1 protein (p.Pro886Ser). This variant is present in population databases (no rsID available, gnomAD 0.003%). This variant has not been reported in the literature in individuals affected with RASA1-related conditions.